The following is an entry in ClinVar:

ClinVar aggregate classification (germline): Uncertain significance (1 of 4 stars; one submission).

Submission:

Labcorp Genetics (formerly Invitae), Labcorp
Classification: Uncertain significance. Last evaluated: 2024-01-15. Review status: criteria provided, single submitter. Criteria: Invitae Variant Classification Sherloc (09022015). Collection method: clinical testing. Allele origin: germline.
Comment: This sequence change replaces isoleucine, which is neutral and non-polar, with valine, which is neutral and non-polar, at codon 256 of the CTNNB1 protein (p.Ile256Val). This variant is not present in population databases (gnomAD no frequency). This variant has not been reported in the literature in individuals affected with CTNNB1-related conditions. Advanced modeling of protein sequence and biophysical properties (such as structural, functional, and spatial information, amino acid conservation, physicochemical variation, residue mobility, and thermodynamic stability) performed at Invitae indicates that this missense variant is not expected to disrupt CTNNB1 protein function with a negative predictive value of 80%. In summary, the available evidence is currently insufficient to determine the role of this variant in disease. Therefore, it has been classified as a Variant of Uncertain Significance.

NM_001904.4(CTNNB1):c.766A>G (p.Ile256Val)

Gene: CTNNB1 (catenin beta 1; plus strand). Cytogenetic location: 3p22.1.
Variant type: single nucleotide variant.
Coding change: c.766A>G on transcript NM_001904.4 (MANE Select); coding-DNA position 766, A replaced by G.
Protein change: p.Ile256Val; replaces isoleucine 256 with valine.
Molecular consequence: missense variant.
Genome position (GRCh38, 1-based): chr3:41,225,691, A>G. VCF-style: chr3-41225691-A-G. GRCh37 (hg19) VCF-style: chr3-41267182-A-G.
Other names: c.766A>G, p.Ile256Val (NM_001098210.2, NM_001098209.2); c.745A>G, p.Ile249Val (NM_001330729.2); short protein forms I249V, I256V.
Identifiers: ClinVar variation 2796051 (VCV002796051.3), dbSNP rs2470788703, ClinGen allele CA352230100.